The following is an entry in ClinVar:

ClinVar aggregate classification (germline): Uncertain significance. Review status: criteria provided, multiple submitters, no conflicts (2 of 4 stars). 3 submissions from 3 submitters: Uncertain significance (2). 1 of the submissions does not count toward it. Last evaluated 2022-10-03.

Conditions:
Decreased circulating carnitine concentration. Also called: Decreased plasma carnitine. Identifiers: MedGen C5848230, HP:0003234.
Renal carnitine transport defect (CDSP). Also called: Carnitine Deficiency, Systemic; Systemic primary carnitine deficiency; Carnitine transporter deficiency; Systemic primary carnitine deficiency disease; Primary carnitine deficiency; CARNITINE DEFICIENCY, SYSTEMIC, DUE TO DEFECT IN RENAL REABSORPTION OF CARNITINE. Identifiers: Orphanet 158, MedGen C0342788, MONDO:0008919, OMIM 212140.

Allele frequency attached by ClinVar (database versions not stated): ExAC 0.00001; gnomAD exomes 0.00001; TOPMed 0.00001.

Submissions (3):

Giacomini Lab, University of California, San Francisco
Classification: Uncertain significance for Renal carnitine transport defect. Last evaluated: 2022-10-03. Review status: criteria provided, single submitter. Criteria: ACMG Guidelines, 2015. Collection method: research, in vitro. Allele origin: germline, not applicable.

Labcorp Genetics (formerly Invitae), Labcorp
Classification: Uncertain significance for Renal carnitine transport defect. Last evaluated: 2021-08-26. Review status: criteria provided, single submitter. Criteria: Invitae Variant Classification Sherloc (09022015). Collection method: clinical testing. Allele origin: germline.
Comment: This sequence change replaces alanine with valine at codon 9 of the SLC22A5 protein (p.Ala9Val). The alanine residue is moderately conserved and there is a small physicochemical difference between alanine and valine. This variant is present in population databases (rs753998904, ExAC 0.01%). This variant has not been reported in the literature in individuals affected with SLC22A5-related conditions. Algorithms developed to predict the effect of missense changes on protein structure and function (SIFT, PolyPhen-2, Align-GVGD) all suggest that this variant is likely to be tolerated. In summary, the available evidence is currently insufficient to determine the role of this variant in disease. Therefore, it has been classified as a Variant of Uncertain Significance.

Natera, Inc.
Classification: Uncertain significance for Carnitine deficiency. Last evaluated: 2020-12-30. Review status: no assertion criteria provided. Collection method: clinical testing. Allele origin: germline. Not counted in ClinVar's aggregate classification.

NM_003060.4(SLC22A5):c.26C>T (p.Ala9Val)

Gene: SLC22A5 (solute carrier family 22 member 5; plus strand). Cytogenetic location: 5q31.1.
Variant type: single nucleotide variant.
Coding change: c.26C>T on transcript NM_003060.4 (MANE Select); coding-DNA position 26, C replaced by T.
Protein change: p.Ala9Val; replaces alanine 9 with valine.
Molecular consequence: missense variant.
Genome position (GRCh38, 1-based): chr5:132,369,998, C>T. VCF-style: chr5-132369998-C-T. GRCh37 (hg19) VCF-style: chr5-131705690-C-T.
Other names: p.Ala9Val; c.26C>T, p.Ala9Val (NM_001308122.2); short protein forms A9V.
Identifiers: ClinVar variation 655992 (VCV000655992.9), dbSNP rs753998904, ClinGen allele CA3403768.